The following is an entry in ClinVar:

ClinVar aggregate classification (germline): Uncertain significance (1 of 4 stars; one submission).

Submission:

Ambry Genetics
Classification: Uncertain significance. Last evaluated: 2023-11-18. Review status: criteria provided, single submitter. Criteria: Ambry Variant Classification Scheme 2023. Collection method: clinical testing. Allele origin: germline.
Comment: The p.G1035S variant (also known as c.3103G>A), located in coding exon 4 of the ALPK2 gene, results from a G to A substitution at nucleotide position 3103. The glycine at codon 1035 is replaced by serine, an amino acid with similar properties. This amino acid position is conserved. In addition, this alteration is predicted to be tolerated by in silico analysis. Since supporting evidence is limited at this time, the clinical significance of this alteration remains unclear.

NM_052947.4(ALPK2):c.3103G>A (p.Gly1035Ser)

Gene: ALPK2 (alpha kinase 2; minus strand). Cytogenetic location: 18q21.31.
Variant type: single nucleotide variant.
Coding change: c.3103G>A on transcript NM_052947.4 (MANE Select); coding-DNA position 3103, G replaced by A.
Protein change: p.Gly1035Ser; replaces glycine 1035 with serine.
Molecular consequence: missense variant.
Genome position (GRCh38, 1-based): chr18:58,537,084, C>T on the plus strand (G>A on the coding strand, the complement: ALPK2 is on the minus strand). VCF-style: chr18-58537084-C-T. GRCh37 (hg19) VCF-style: chr18-56204316-C-T.
Other names: short protein forms G1035S.
Identifiers: ClinVar variation 3228672 (VCV003228672.1), dbSNP rs961159686, ClinGen allele CA402569099.